The following is an entry in ClinVar:

ClinVar aggregate classification (germline): Uncertain significance (1 of 4 stars; one submission).

Conditions:
Developmental and epileptic encephalopathy, 9 (DEE9). Also called: Early infantile epileptic encephalopathy 9; EPILEPSY, FEMALE-RESTRICTED, WITH MENTAL RETARDATION; PCDH19-Related X-Linked Female-Limited Epilepsy with Mental Retardation; JUBERG-HELLMAN SYNDROME. Identifiers: Orphanet 101039, Orphanet 2076, MedGen C1848137, MONDO:0010246, OMIM 300088. Disease mechanism: loss of function.

Submission:

Labcorp Genetics (formerly Invitae), Labcorp
Classification: Uncertain significance for Developmental and epileptic encephalopathy, 9. Last evaluated: 2022-04-16. Review status: criteria provided, single submitter. Criteria: Invitae Variant Classification Sherloc (09022015). Collection method: clinical testing. Allele origin: germline.
Comment: This sequence change replaces leucine, which is neutral and non-polar, with valine, which is neutral and non-polar, at codon 482 of the PCDH19 protein (p.Leu482Val). This variant is not present in population databases (gnomAD no frequency). This missense change has been observed in individual(s) with clinical features of PCDH19-related conditions (Invitae). Advanced modeling of protein sequence and biophysical properties (such as structural, functional, and spatial information, amino acid conservation, physicochemical variation, residue mobility, and thermodynamic stability) performed at Invitae indicates that this missense variant is not expected to disrupt PCDH19 protein function. In summary, the available evidence is currently insufficient to determine the role of this variant in disease. Therefore, it has been classified as a Variant of Uncertain Significance.

NM_001184880.2(PCDH19):c.1444C>G (p.Leu482Val)

Gene: PCDH19 (protocadherin 19; minus strand). Cytogenetic location: Xq22.1.
Variant type: single nucleotide variant.
Coding change: c.1444C>G on transcript NM_001184880.2 (MANE Select); coding-DNA position 1444, C replaced by G.
Protein change: p.Leu482Val; replaces leucine 482 with valine.
Molecular consequence: missense variant.
Genome position (GRCh38, 1-based): chrX:100,407,154, G>C on the plus strand (C>G on the coding strand, the complement: PCDH19 is on the minus strand). VCF-style: chrX-100407154-G-C. GRCh37 (hg19) VCF-style: chrX-99662152-G-C.
Other names: c.1444C>G, p.Leu482Val (NM_001105243.2, NM_020766.3); short protein forms L482V.
Identifiers: ClinVar variation 2126681 (VCV002126681.4), dbSNP rs1220894376, ClinGen allele CA414002713.